The following is an entry in ClinVar:

ClinVar aggregate classification (germline): Uncertain significance (1 of 4 stars; one submission).

Submission:

Women's Health and Genetics/Laboratory Corporation of America, LabCorp
Classification: Uncertain significance. Last evaluated: 2025-09-23. Review status: criteria provided, single submitter. Criteria: LabCorp Variant Classification Summary - May 2015. Collection method: clinical testing. Allele origin: germline.
Comment: Variant summary: DCC c.1180G>A (p.Asp394Asn) results in a conservative amino acid change in the encoded protein sequence. Algorithms developed to predict the effect of missense changes on protein structure and function are either unavailable or do not agree on the potential impact of this missense change. The variant was absent in 251244 control chromosomes. The available data on variant occurrences in the general population are insufficient to allow any conclusion about variant significance. To our knowledge, no occurrence of c.1180G>A in individuals affected with DCC-related conditions and no experimental evidence demonstrating its impact on protein function have been reported. No submitters have cited clinical-significance assessments for this variant to ClinVar. Based on the evidence outlined above, the variant was classified as uncertain significance.

NM_005215.4(DCC):c.1180G>A (p.Asp394Asn)

Gene: DCC (DCC netrin 1 receptor; plus strand). Cytogenetic location: 18q21.2.
Variant type: single nucleotide variant.
Coding change: c.1180G>A on transcript NM_005215.4 (MANE Select); coding-DNA position 1180, G replaced by A.
Protein change: p.Asp394Asn; replaces aspartic acid 394 with asparagine.
Molecular consequence: missense variant.
Genome position (GRCh38, 1-based): chr18:53,066,085, G>A. VCF-style: chr18-53066085-G-A. GRCh37 (hg19) VCF-style: chr18-50592455-G-A.
Other names: short protein forms D394N.
Identifiers: ClinVar variation 4536021 (VCV004536021.1).